The following is an entry in ClinVar:

ClinVar aggregate classification (germline): Pathogenic/Likely pathogenic. Review status: criteria provided, multiple submitters, no conflicts (2 of 4 stars). 3 submissions from 3 submitters: Pathogenic (1); Likely pathogenic (2). Last evaluated 2023-11-04.

Conditions:
Retinitis pigmentosa (RP). Identifiers: Orphanet 791, MedGen C0035334, MeSH D012174, MONDO:0019200, OMIM 268000. Inheritance: Autosomal dominant, autosomal recessive and X linked inheritance.
Retinitis pigmentosa 39 (RP39). Identifiers: Orphanet 791, MedGen C3151138, MONDO:0013436, OMIM 613809.

Submissions (3):

Genome-Nilou Lab
Classification: Likely pathogenic for Retinitis pigmentosa 39. Last evaluated: 2023-11-04. Review status: criteria provided, single submitter. Criteria: ACMG Guidelines, 2015. Collection method: clinical testing. Allele origin: germline. Affected: no.

Labcorp Genetics (formerly Invitae), Labcorp
Classification: Likely pathogenic. Last evaluated: 2021-01-28. Review status: criteria provided, single submitter. Criteria: Invitae Variant Classification Sherloc (09022015). Collection method: clinical testing. Allele origin: germline.
Comment: This sequence change replaces glycine with valine at codon 3574 of the USH2A protein (p.Gly3574Val). The glycine residue is highly conserved and there is a moderate physicochemical difference between glycine and valine. This variant is not present in population databases (ExAC no frequency). This variant has been observed in individual(s) with retinitis pigmentosa (PMID: 23591405, 24625443, Invitae). ClinVar contains an entry for this variant (Variation ID: 813104). Algorithms developed to predict the effect of missense changes on protein structure and function (SIFT, PolyPhen-2, Align-GVGD) all suggest that this variant is likely to be disruptive, but these predictions have not been confirmed by published functional studies and their clinical significance is uncertain. This variant disrupts the p.Gly3574 amino acid residue in USH2A. Other variant(s) that disrupt this residue have been observed in individuals with USH2A-related conditions (Invitae), which suggests that this may be a clinically significant amino acid residue. In summary, the currently available evidence indicates that the variant is pathogenic, but additional data are needed to prove that conclusively. Therefore, this variant has been classified as Likely Pathogenic.

Molecular Genetics Laboratory, Institute for Ophthalmic Research
Classification: Pathogenic for Retinitis pigmentosa. Last evaluated: 2020-01-09. Review status: criteria provided, single submitter. Criteria: ACMG Guidelines, 2015. Collection method: research. Allele origin: germline. Affected: yes.

Literature cited by the submitters: PubMed 23591405 (cited by Labcorp Genetics (formerly Invitae), Labcorp); PubMed 24625443 (cited by Labcorp Genetics (formerly Invitae), Labcorp).

NM_206933.4(USH2A):c.10721G>T (p.Gly3574Val)

Gene: USH2A (usherin; minus strand). Cytogenetic location: 1q41.
Variant type: single nucleotide variant.
Coding change: c.10721G>T on transcript NM_206933.4 (MANE Select); coding-DNA position 10721, G replaced by T.
Protein change: p.Gly3574Val; replaces glycine 3574 with valine.
Molecular consequence: missense variant.
Genome position (GRCh38, 1-based): chr1:215,782,061, C>A on the plus strand (G>T on the coding strand, the complement: USH2A is on the minus strand). VCF-style: chr1-215782061-C-A. GRCh37 (hg19) VCF-style: chr1-215955403-C-A.
Other names: short protein forms G3574V.
Identifiers: ClinVar variation 813104 (VCV000813104.9), dbSNP rs1259758261, ClinGen allele CA344836178.
Genomic context (GRCh38, chr1:215,782,061, plus strand): 5'-ACTGAACCCCTTTTCCCAGAGTTTAGGCAAACTCCTCTTACCTTGCTACTGGTGGCACAG[C>A]CAGCAACCGTGCAAGCTTTCAGCTGATATGAATATTCCTGAAATGGTTGAATTCCCTCTT-3'
Protein context (NP_996816.3, residues 3564-3584): SYQLKACTVA[Gly3574Val]CATSSKVVAA